The following is an entry in ClinVar:

ClinVar aggregate classification (germline): Uncertain significance (1 of 4 stars; one submission).

gnomAD v4.1: 1 of 1,612,650 alleles (0.000062%); highest among the groups gnomAD compares: Non-Finnish European, 0.000085%; no homozygotes.

Submission:

Labcorp Genetics (formerly Invitae), Labcorp
Classification: Uncertain significance. Last evaluated: 2021-05-27. Review status: criteria provided, single submitter. Criteria: Invitae Variant Classification Sherloc (09022015). Collection method: clinical testing. Allele origin: germline.
Comment: In summary, the available evidence is currently insufficient to determine the role of this variant in disease. Therefore, it has been classified as a Variant of Uncertain Significance. Algorithms developed to predict the effect of missense changes on protein structure and function are either unavailable or do not agree on the potential impact of this missense change (SIFT: "Deleterious"; PolyPhen-2: "Probably Damaging"; Align-GVGD: "Class C0"). This variant has not been reported in the literature in individuals with CDT1-related conditions. This variant is not present in population databases (ExAC no frequency). This sequence change replaces glutamic acid with glutamine at codon 456 of the CDT1 protein (p.Glu456Gln). The glutamic acid residue is highly conserved and there is a small physicochemical difference between glutamic acid and glutamine.

NM_030928.4(CDT1):c.1366G>C (p.Glu456Gln)

Gene: CDT1 (chromatin licensing and DNA replication factor 1; plus strand). Cytogenetic location: 16q24.3.
Variant type: single nucleotide variant.
Coding change: c.1366G>C on transcript NM_030928.4 (MANE Select); coding-DNA position 1366, G replaced by C.
Protein change: p.Glu456Gln; replaces glutamic acid 456 with glutamine.
Molecular consequence: missense variant.
Genome position (GRCh38, 1-based): chr16:88,807,371, G>C. VCF-style: chr16-88807371-G-C. GRCh37 (hg19) VCF-style: chr16-88873779-G-C.
Other names: short protein forms E456Q.
Identifiers: ClinVar variation 1397695 (VCV001397695.8), dbSNP rs776599320, ClinGen allele CA397082099.